The following is an entry in ClinVar:

ClinVar aggregate classification (germline): Pathogenic (1 of 4 stars; one submission).

Conditions:
Nephronophthisis. Also called: Juvenile Nephronophthisis. Identifiers: Orphanet 655, MedGen C0687120, MONDO:0019005, HP:0000090.

Submission:

Labcorp Genetics (formerly Invitae), Labcorp
Classification: Pathogenic for Nephronophthisis. Last evaluated: 2023-11-09. Review status: criteria provided, single submitter. Criteria: Invitae Variant Classification Sherloc (09022015). Collection method: clinical testing. Allele origin: unknown.
Comment: This variant is a gross deletion of the genomic region encompassing exon(s) 2 of the INVS gene, which includes the initiator codon. This deletion extends beyond the assayed region for this gene and therefore may encompass additional genes. It is expected to result in an absent or disrupted protein product. Loss-of-function variants in INVS are known to be pathogenic (PMID: 12872123). This variant has not been reported in the literature in individuals affected with INVS-related conditions. For these reasons, this variant has been classified as Pathogenic.

Literature cited by the submitters: PubMed 12872123.

NC_000009.11:g.(?_102866804)_(102866929_?)del

Gene: INVS (inversin; plus strand). Cytogenetic location: 9q31.1.
Variant type: Deletion.
Identifiers: ClinVar variation 3245130 (VCV003245130.1).